The following is an entry in ClinVar:

NM_001291303.3(FAT4):c.5744C>T (p.Thr1915Ile)

Gene: FAT4 (FAT atypical cadherin 4; plus strand). Cytogenetic location: 4q28.1.
Variant type: single nucleotide variant.
Coding change: c.5744C>T on transcript NM_001291303.3 (MANE Select); coding-DNA position 5744, C replaced by T.
Protein change: p.Thr1915Ile; replaces threonine 1915 with isoleucine.
Molecular consequence: missense variant.
Genome position (GRCh38, 1-based): chr4:125,408,618, C>T. VCF-style: chr4-125408618-C-T. GRCh37 (hg19) VCF-style: chr4-126329773-C-T.
Other names: c.5744C>T, p.Thr1915Ile (NM_001291285.3, NM_001438396.1, NM_001438397.1 and 1 more transcripts); c.515C>T, p.Thr172Ile (NM_001437895.1); short protein forms T1915I, T172I.
Identifiers: ClinVar variation 4766202 (VCV004766202.1).

ClinVar aggregate classification (germline): Uncertain significance (1 of 4 stars; one submission).

gnomAD v4.1: 1 of 1,612,496 alleles (0.000062%); highest among the groups gnomAD compares: Non-Finnish European, 0.000085%; no homozygotes.

Submission:

Labcorp Genetics (formerly Invitae), Labcorp
Classification: Uncertain significance. Last evaluated: 2025-11-05. Review status: criteria provided, single submitter. Criteria: Invitae Variant Classification Sherloc (09022015). Collection method: clinical testing. Allele origin: germline.
Comment: This sequence change replaces threonine, which is neutral and polar, with isoleucine, which is neutral and non-polar, at codon 1915 of the FAT4 protein (p.Thr1915Ile). This variant is present in population databases (rs141816557, gnomAD 0.0009%). This variant has not been reported in the literature in individuals affected with FAT4-related conditions. Invitae Evidence Modeling of protein sequence and biophysical properties (such as structural, functional, and spatial information, amino acid conservation, physicochemical variation, residue mobility, and thermodynamic stability) indicates that this missense variant is not expected to disrupt FAT4 protein function with a negative predictive value of 95%. In summary, the available evidence is currently insufficient to determine the role of this variant in disease. Therefore, it has been classified as a Variant of Uncertain Significance.